The following is an entry in ClinVar:

ClinVar aggregate classification (germline): Likely pathogenic (1 of 4 stars; one submission).

Conditions:
Microcephaly, normal intelligence and immunodeficiency (NBS). Also called: Ataxia telangiectasia variant V1; IMMUNODEFICIENCY, MICROCEPHALY, AND CHROMOSOMAL INSTABILITY; SEEMANOVA SYNDROME II; Immunodeficiency, microcephaly with normal intelligence; Nijmegen breakage syndrome; Microcephaly with normal intelligence immunodeficiency and lymphoreticular malignancies. Identifiers: Orphanet 647, MedGen C0398791, MONDO:0009623, OMIM 251260.

Submission:

Myriad Genetics, Inc.
Classification: Likely pathogenic for Microcephaly, normal intelligence and immunodeficiency. Last evaluated: 2021-12-27. Review status: criteria provided, single submitter. Criteria: Myriad Women's Health Autosomal Recessive and X-Linked Classification Criteria (2021). Collection method: clinical testing. Allele origin: unknown.
Comment: NM_002485.4(NBN):c.530_531delTT(F177Yfs*2) is expected to be pathogenic in the context of Nijmegen breakage syndrome. This variant is predicted to lead to an abnormal or absent protein product due to the creation of a premature termination codon in NBN, a gene where loss-of-function variants are known to be pathogenic. Please note: this variant was assessed in the context of healthy population screening.

NM_002485.5(NBN):c.530_531del (p.Phe177fs)

Gene: NBN (nibrin; minus strand). Cytogenetic location: 8q21.3.
Variant type: Deletion.
Coding change: c.530_531del on transcript NM_002485.5 (MANE Select); coding-DNA positions 530 to 531, 2 bases deleted (TT; older notation c.530_531delTT).
Protein change: p.Phe177fs; shifts the reading frame from phenylalanine 177.
Molecular consequence: frameshift variant.
Genome position (GRCh38, 1-based): chr8:89,978,273-89,978,274, AA deleted on the plus strand (TT on the coding strand, the reverse complement: NBN is on the minus strand); deleting any 2 consecutive bases within chr8:89,978,273-89,978,276 gives the same sequence; the c. name uses the placement nearest the transcript's 3' end. VCF-style (leftmost placement, unchanged base first): chr8-89978272-TAA-T. GRCh37 (hg19) VCF-style: chr8-90990500-TAA-T.
Other names: c.284_285del, p.Phe95fs (NM_001024688.3); short protein forms F177fs, F95fs.
Identifiers: ClinVar variation 1726612 (VCV001726612.2), dbSNP rs1057516787, ClinGen allele CA2580079157.